The following is an entry in ClinVar:

ClinVar aggregate classification (germline): Uncertain significance (1 of 4 stars; one submission).

Allele frequency attached by ClinVar (database versions not stated): gnomAD exomes 0.00001.
gnomAD v4.1: 11 of 1,570,864 alleles (0.0007%); highest among the groups gnomAD compares: Non-Finnish European, 0.00078%; no homozygotes.

Submission:

Labcorp Genetics (formerly Invitae), Labcorp
Classification: Uncertain significance. Last evaluated: 2025-10-23. Review status: criteria provided, single submitter. Criteria: Invitae Variant Classification Sherloc (09022015). Collection method: clinical testing. Allele origin: germline.
Comment: This sequence change affects an acceptor splice site in intron 22 of the COL9A3 gene. It is expected to disrupt RNA splicing. Variants that disrupt the donor or acceptor splice site typically lead to a loss of protein function (PMID: 16199547), however the current clinical and genetic evidence is not sufficient to establish whether loss-of-function variants in COL9A3 cause disease. This variant is not present in population databases (gnomAD no frequency). This variant has not been reported in the literature in individuals affected with COL9A3-related conditions. ClinVar contains an entry for this variant (Variation ID: 2127047). Algorithms developed to predict the effect of sequence changes on RNA splicing suggest that this variant may disrupt the consensus splice site. In summary, the available evidence is currently insufficient to determine the role of this variant in disease. Therefore, it has been classified as a Variant of Uncertain Significance.

Literature cited by the submitters: PubMed 16199547.

NM_001853.4(COL9A3):c.1162-2A>C

Gene: COL9A3 (collagen type IX alpha 3 chain; plus strand). Cytogenetic location: 20q13.33.
Variant type: single nucleotide variant.
Coding change: c.1162-2A>C on transcript NM_001853.4 (MANE Select); the canonical splice acceptor site of the intron before coding-DNA position 1162, A replaced by C.
Molecular consequence: splice acceptor variant.
Genome position (GRCh38, 1-based): chr20:62,830,358, A>C. VCF-style: chr20-62830358-A-C. GRCh37 (hg19) VCF-style: chr20-61461710-A-C.
Identifiers: ClinVar variation 2127047 (VCV002127047.4), dbSNP rs1568758666, ClinGen allele CA409594424.